The following is an entry in ClinVar:

NM_000535.7(PMS2):c.1532del (p.Thr511fs)

Gene: PMS2 (PMS1 homolog 2, mismatch repair system component; minus strand). Cytogenetic location: 7p22.1.
Variant type: Deletion.
Coding change: c.1532del on transcript NM_000535.7 (MANE Select); coding-DNA position 1532, one base deleted (C; older notation c.1532delC).
Protein change: p.Thr511fs; shifts the reading frame from threonine 511.
Molecular consequence: frameshift variant. On other transcripts: non-coding transcript variant (1).
Genome position (GRCh38, 1-based): chr7:5,987,233, G deleted on the plus strand (C on the coding strand, the reverse complement: PMS2 is on the minus strand). VCF-style (leftmost placement, unchanged base first): chr7-5987232-CG-C. GRCh37 (hg19) VCF-style: chr7-6026863-CG-C.
Other names: c.1127del, p.Thr376fs (NM_001322003.2, NM_001322004.2, NM_001322005.2 and 1 more transcripts); c.1376del, p.Thr459fs (NM_001322006.2); c.1214del, p.Thr405fs (NM_001322007.2, NM_001322008.2); c.971del, p.Thr324fs (NM_001322010.2); c.599del, p.Thr200fs (NM_001322011.2, NM_001322012.2); c.959del, p.Thr320fs (NM_001322013.2); c.1532del, p.Thr511fs (NM_001322014.2); c.1223del, p.Thr408fs (NM_001322015.2); short protein forms T200fs, T376fs, T324fs, T405fs, T459fs, T408fs, T511fs, T320fs.
Identifiers: ClinVar variation 545777 (VCV000545777.9), dbSNP rs1554297636, ClinGen allele CA658821574.

ClinVar aggregate classification (germline): Pathogenic. Review status: criteria provided, multiple submitters, no conflicts (2 of 4 stars). 4 submissions from 4 submitters: Pathogenic (4). Last evaluated 2025-11-26.

Conditions:
Hereditary nonpolyposis colorectal neoplasms. Identifiers: MedGen C0009405, MeSH D003123.
Lynch syndrome 4 (LYNCH4). Also called: Hereditary non-polyposis colorectal cancer, type 4; Colorectal cancer, hereditary nonpolyposis, type 4. Identifiers: Orphanet 144, MedGen C1838333, MONDO:0013699, OMIM 614337. Disease mechanism: loss of function.
Hereditary cancer-predisposing syndrome. Also called: Neoplastic Syndromes, Hereditary; Hereditary Cancer Syndrome; Tumor predisposition; Hereditary neoplastic syndrome. Identifiers: Orphanet 140162, MedGen C0027672, MeSH D009386, MONDO:0015356.

Submissions (4):

Ambry Genetics
Classification: Pathogenic for Hereditary cancer-predisposing syndrome. Last evaluated: 2025-11-26. Review status: criteria provided, single submitter. Criteria: Ambry Variant Classification Scheme 2023. Collection method: clinical testing. Allele origin: germline.
Comment: The c.1532delC pathogenic mutation, located in coding exon 11 of the PMS2 gene, results from a deletion of one nucleotide at nucleotide position 1532, causing a translational frameshift with a predicted alternate stop codon (p.T511Rfs*84). This variant is considered to be rare based on population cohorts in the Genome Aggregation Database (gnomAD). This alteration is expected to result in loss of function by premature protein truncation or nonsense-mediated mRNA decay. As such, this alteration is interpreted as a disease-causing mutation.

Myriad Genetics, Inc.
Classification: Pathogenic for Lynch syndrome 4. Last evaluated: 2025-08-19. Review status: criteria provided, single submitter. Criteria: Myriad Autosomal Dominant, Autosomal Recessive and X-Linked Classification Criteria (2023). Collection method: clinical testing. Allele origin: unknown.
Comment: This variant is considered pathogenic. This variant creates a frameshift predicted to result in premature protein truncation.

Labcorp Genetics (formerly Invitae), Labcorp
Classification: Pathogenic for Hereditary nonpolyposis colorectal neoplasms. Last evaluated: 2021-10-27. Review status: criteria provided, single submitter. Criteria: Invitae Variant Classification Sherloc (09022015). Collection method: clinical testing. Allele origin: germline.
Comment: For these reasons, this variant has been classified as Pathogenic. ClinVar contains an entry for this variant (Variation ID: 545777). This variant has not been reported in the literature in individuals affected with PMS2-related conditions. This variant is not present in population databases (gnomAD no frequency). This sequence change creates a premature translational stop signal (p.Thr511Argfs*84) in the PMS2 gene. It is expected to result in an absent or disrupted protein product. Loss-of-function variants in PMS2 are known to be pathogenic (PMID: 21376568, 24362816).

GeneDx
Classification: Pathogenic. Last evaluated: 2017-04-06. Review status: criteria provided, single submitter. Criteria: GeneDx Variant Classification (06012015). Collection method: clinical testing. Allele origin: germline. Affected: yes.
Comment: This deletion of one nucleotide in PMS2 is denoted c.1532delC at the cDNA level and p.Thr511ArgfsX84 (T511RfsX84) at the protein level. The normal sequence, with the base that is deleted in brackets, is GACA[delC]GGGC. The deletion causes a frameshift which changes a Threonine to an Arginine at codon 511, and creates a premature stop codon at position 84 of the new reading frame. Although this variant has not, to our knowledge, been reported in the literature, it is predicted to cause loss of normal protein function through either protein truncation or nonsense-mediated mRNA decay. We consider this variant to be pathogenic.

Literature cited by the submitters: PubMed 21376568 (cited by Labcorp Genetics (formerly Invitae), Labcorp); PubMed 24362816 (cited by Labcorp Genetics (formerly Invitae), Labcorp).